The following is an entry in ClinVar:

ClinVar aggregate classification (germline): Conflicting classifications of pathogenicity. Review status: criteria provided, conflicting classifications (1 of 4 stars). 3 submissions from 3 submitters: Uncertain significance (2); Likely benign (1). Last evaluated 2024-09-20.

Conditions:
Intellectual developmental disorder with speech delay, dysmorphic facies, and t-cell abnormalities. Also called: BCL11B-related BAFopathy. Identifiers: Orphanet 662829, MedGen C4748152, MONDO:0060763, OMIM 618092.
Immunodeficiency 49 (IMD49). Also called: SEVERE COMBINED IMMUNODEFICIENCY, T CELL-NEGATIVE, B CELL-POSITIVE, NK CELL-POSITIVE, WITH INTELLECTUAL DISABILITY, SPASTICITY, AND CRANIOFACIAL ABNORMALITIES; SCID, T CELL-NEGATIVE, B CELL-POSITIVE, NK CELL-POSITIVE, WITH INTELLECTUAL DISABILITY, SPASTICITY, AND CRANIOFACIAL ABNORMALITIES; IMMUNODEFICIENCY 49, SEVERE COMBINED. Identifiers: MedGen C4310656, MONDO:0014981, OMIM 617237.

Submissions (3):

3billion
Classification: Likely benign for Immunodeficiency 49; Intellectual developmental disorder with speech delay, dysmorphic facies, and t-cell abnormalities. Last evaluated: 2024-09-20. Review status: criteria provided, single submitter. Criteria: ACMG Guidelines, 2015. Collection method: clinical testing. Allele origin: germline. Affected: no.
Comment: The variant was identified in at least one patient who was diagnosed with a different variant in another gene and showed no symptoms related to the gene containing the variant in question.

Blueprint Genetics
Classification: Uncertain significance. Last evaluated: 2023-05-10. Review status: criteria provided, single submitter. Criteria: ACMG Guidelines, 2015. Collection method: clinical testing. Allele origin: germline.

GeneDx
Classification: Uncertain significance. Last evaluated: 2022-10-09. Review status: criteria provided, single submitter. Criteria: GeneDx Variant Classification Process June 2021. Collection method: clinical testing. Allele origin: germline. Affected: yes.
Comment: Not observed at significant frequency in large population cohorts (gnomAD); In silico analysis supports that this missense variant has a deleterious effect on protein structure/function; Has not been previously published as pathogenic or benign to our knowledge

NM_138576.4(BCL11B):c.2108C>A (p.Pro703Gln)

Gene: BCL11B (BCL11 transcription factor B; minus strand). Cytogenetic location: 14q32.2.
Variant type: single nucleotide variant.
Coding change: c.2108C>A on transcript NM_138576.4 (MANE Select); coding-DNA position 2108, C replaced by A.
Protein change: p.Pro703Gln; replaces proline 703 with glutamine.
Molecular consequence: missense variant.
Genome position (GRCh38, 1-based): chr14:99,174,728, G>T on the plus strand (C>A on the coding strand, the complement: BCL11B is on the minus strand). VCF-style: chr14-99174728-G-T. GRCh37 (hg19) VCF-style: chr14-99641065-G-T.
Other names: c.2105C>A, p.Pro702Gln (NM_001282237.2); c.1892C>A, p.Pro631Gln (NM_001282238.2); c.1895C>A, p.Pro632Gln (NM_022898.3); short protein forms P631Q, P632Q, P702Q, P703Q.
Identifiers: ClinVar variation 2497802 (VCV002497802.3), dbSNP rs1407775325, ClinGen allele CA390933947.